The following is an entry in ClinVar:

ClinVar aggregate classification (germline): Uncertain significance (1 of 4 stars; one submission).

Submission:

GeneDx
Classification: Uncertain significance. Last evaluated: 2024-10-07. Review status: criteria provided, single submitter. Criteria: GeneDx Variant Classification Process June 2021. Collection method: clinical testing. Allele origin: germline. Affected: yes.
Comment: Not observed at significant frequency in large population cohorts (gnomAD); Located in a region that tolerates variation and lacks pathogenic variants; Located in a regulatory region; in the absence of functional studies, the actual effect of this sequence change is unknown; Has not been previously published as pathogenic or benign to our knowledge

NM_001354604.2(MITF):c.*1C>A

Gene: MITF (melanocyte inducing transcription factor; plus strand). Cytogenetic location: 3p13.
Variant type: single nucleotide variant.
Coding change: c.*1C>A on transcript NM_001354604.2 (MANE Select); 1 bases downstream of the stop codon, C replaced by A.
Molecular consequence: 3 prime UTR variant.
Genome position (GRCh38, 1-based): chr3:69,965,249, C>A. VCF-style: chr3-69965249-C-A. GRCh37 (hg19) VCF-style: chr3-70014400-C-A.
Other names: c.*1C>A (NM_000248.4, NM_001184967.2, NM_001354605.2 and 8 more transcripts).
Identifiers: ClinVar variation 3777457 (VCV003777457.1).